The following is an entry in ClinVar:

NM_177438.3(DICER1):c.1260G>C (p.Glu420Asp)

Gene: DICER1 (dicer 1, ribonuclease III; minus strand). Cytogenetic location: 14q32.13.
Variant type: single nucleotide variant.
Coding change: c.1260G>C on transcript NM_177438.3 (MANE Select); coding-DNA position 1260, G replaced by C.
Protein change: p.Glu420Asp; replaces glutamic acid 420 with aspartic acid.
Molecular consequence: missense variant. On other transcripts: 5 prime UTR variant (1), non-coding transcript variant (6).
Genome position (GRCh38, 1-based): chr14:95,124,312, C>G on the plus strand (G>C on the coding strand, the complement: DICER1 is on the minus strand). VCF-style: chr14-95124312-C-G. GRCh37 (hg19) VCF-style: chr14-95590649-C-G.
Other names: c.1260G>C, p.Glu420Asp (NM_001195573.1, NM_001271282.3, NM_001291628.2 and 14 more transcripts); c.978G>C, p.Glu326Asp (NM_001395686.1); c.855G>C, p.Glu285Asp (NM_001395687.1, NM_001395688.1, NM_001395689.1 and 3 more transcripts); c.693G>C, p.Glu231Asp (NM_001395691.1); c.-309G>C (NM_001395697.1); short protein forms E285D, E326D, E231D, E420D.
Identifiers: ClinVar variation 3840002 (VCV003840002.1).
Genomic context (GRCh38, chr14:95,124,312, plus strand): 5'-GTTGGTAAAAGGAGAAGGAAAATTTGTCTCTGGCTTCTCTTTTTCTTCAATTTCTTCATC[C>G]TCATCATCATCCTCAGAATCACTCCATGACACATAATTATCCTGATTTCTATTATTATAC-3'
Protein context (NP_803187.1, residues 410-430): VSWSDSEDDD[Glu420Asp]DEEIEEKEKP

ClinVar aggregate classification (germline): Uncertain significance (1 of 4 stars; one submission).

Conditions:
Hereditary cancer-predisposing syndrome. Also called: Hereditary neoplastic syndrome; Neoplastic Syndromes, Hereditary; Tumor predisposition; Hereditary Cancer Syndrome. Identifiers: Orphanet 140162, MedGen C0027672, MeSH D009386, MONDO:0015356.

Submission:

Ambry Genetics
Classification: Uncertain significance for Hereditary cancer-predisposing syndrome. Last evaluated: 2025-01-13. Review status: criteria provided, single submitter. Criteria: Ambry Variant Classification Scheme 2023. Collection method: clinical testing. Allele origin: germline.
Comment: The p.E420D variant (also known as c.1260G>C), located in coding exon 7 of the DICER1 gene, results from a G to C substitution at nucleotide position 1260. The glutamic acid at codon 420 is replaced by aspartic acid, an amino acid with highly similar properties. This amino acid position is conserved. In addition, this alteration is predicted to be tolerated by in silico analysis. Based on the available evidence, the clinical significance of this variant remains unclear.